The following is an entry in ClinVar:

ClinVar aggregate classification (germline): Uncertain significance (1 of 4 stars; one submission).

gnomAD v4.1: 1 of 1,614,160 alleles (0.000062%); highest among the groups gnomAD compares: African/African-American, 0.0013%; no homozygotes.

Submission:

Labcorp Genetics (formerly Invitae), Labcorp
Classification: Uncertain significance. Last evaluated: 2023-07-06. Review status: criteria provided, single submitter. Criteria: Invitae Variant Classification Sherloc (09022015). Collection method: clinical testing. Allele origin: germline.
Comment: This sequence change replaces asparagine, which is neutral and polar, with isoleucine, which is neutral and non-polar, at codon 5032 of the MACF1 protein (p.Asn5032Ile). This variant is not present in population databases (gnomAD no frequency). This variant has not been reported in the literature in individuals affected with MACF1-related conditions. ClinVar contains an entry for this variant (Variation ID: 2112559). An algorithm developed to predict the effect of missense changes on protein structure and function (PolyPhen-2) suggests that this variant is likely to be disruptive. In summary, the available evidence is currently insufficient to determine the role of this variant in disease. Therefore, it has been classified as a Variant of Uncertain Significance.

NM_001394062.1(MACF1):c.21272A>T (p.Asn7091Ile)

Gene: MACF1 (microtubule actin crosslinking factor 1; plus strand). Cytogenetic location: 1p34.3.
Variant type: single nucleotide variant.
Coding change: c.21272A>T on transcript NM_001394062.1 (MANE Select); coding-DNA position 21272, A replaced by T.
Protein change: p.Asn7091Ile; replaces asparagine 7091 with isoleucine.
Molecular consequence: missense variant.
Genome position (GRCh38, 1-based): chr1:39,459,161, A>T. VCF-style: chr1-39459161-A-T. GRCh37 (hg19) VCF-style: chr1-39924833-A-T.
Other names: c.9350A>T, p.Asn3117Ile (NM_001397473.1); c.15095A>T, p.Asn5032Ile (NM_012090.5); short protein forms N3117I, N7091I, N5032I.
Identifiers: ClinVar variation 2112559 (VCV002112559.4), dbSNP rs1352319859, ClinGen allele CA339769862.